The following is an entry in ClinVar:

NM_174878.3(CLRN1):c.570G>A (p.Trp190Ter)

Gene: CLRN1 (clarin 1; minus strand). Cytogenetic location: 3q25.1.
Variant type: single nucleotide variant.
Coding change: c.570G>A on transcript NM_174878.3 (MANE Select); coding-DNA position 570, G replaced by A.
Protein change: p.Trp190Ter; replaces tryptophan 190 with a stop codon.
Molecular consequence: nonsense. On other transcripts: 3 prime UTR variant (1), non-coding transcript variant (1).
Genome position (GRCh38, 1-based): chr3:150,928,065, C>T on the plus strand (G>A on the coding strand, the complement: CLRN1 is on the minus strand). VCF-style: chr3-150928065-C-T. GRCh37 (hg19) VCF-style: chr3-150645852-C-T.
Other names: c.609G>A, p.Trp203Ter (NM_001195794.1); c.*184G>A (NM_001256819.2); c.342G>A, p.Trp114Ter (NM_052995.2); short protein forms W114*, W190*, W203*.
Identifiers: ClinVar variation 933810 (VCV000933810.7), dbSNP rs1576623358, ClinGen allele CA354953032.
Genomic context (GRCh38, chr3:150,928,065, plus strand): 5'-TCCAGCAAGTCGTATTAGGAGCCCATTCAGAAAATGAACAAAAAAGCAAAAGAAAATGAC[C>T]CAGAATGAGGTGGTATATTTTTCACTTTGCGTTTTGTAGACATAAGTCCCTTCTTTATAA-3'

ClinVar aggregate classification (germline): Pathogenic (1 of 4 stars; one submission).

Submission:

Labcorp Genetics (formerly Invitae), Labcorp
Classification: Pathogenic. Last evaluated: 2021-12-02. Review status: criteria provided, single submitter. Criteria: Invitae Variant Classification Sherloc (09022015). Collection method: clinical testing. Allele origin: germline.
Comment: This variant disrupts a region of the CLRN1 protein in which other variant(s) (p.Arg207*) have been determined to be pathogenic (PMID: 22952768, 23304067, 26338283). This suggests that this is a clinically significant region of the protein, and that variants that disrupt it are likely to be disease-causing. For these reasons, this variant has been classified as Pathogenic. ClinVar contains an entry for this variant (Variation ID: 933810). This variant has not been reported in the literature in individuals affected with CLRN1-related conditions. This variant is not present in population databases (gnomAD no frequency). This sequence change creates a premature translational stop signal (p.Trp190*) in the CLRN1 gene. While this is not anticipated to result in nonsense mediated decay, it is expected to disrupt the last 43 amino acid(s) of the CLRN1 protein.

Literature cited by the submitters: PubMed 22952768; PubMed 23304067; PubMed 26338283.